The following is an entry in ClinVar:

NM_006254.4(PRKCD):c.250G>A (p.Val84Met)

Gene: PRKCD (protein kinase C delta; plus strand). Cytogenetic location: 3p21.1.
Variant type: single nucleotide variant.
Coding change: c.250G>A on transcript NM_006254.4 (MANE Select); coding-DNA position 250, G replaced by A.
Protein change: p.Val84Met; replaces valine 84 with methionine.
Molecular consequence: missense variant.
Genome position (GRCh38, 1-based): chr3:53,179,711, G>A. VCF-style: chr3-53179711-G-A. GRCh37 (hg19) VCF-style: chr3-53213727-G-A.
Other names: c.250G>A, p.Val84Met (NM_001354679.2, NM_001354680.2, NM_212539.2 and 1 more transcripts); c.307G>A, p.Val103Met (NM_001354676.2); c.298G>A, p.Val100Met (NM_001354678.2); short protein forms V103M, V100M, V84M.
Identifiers: ClinVar variation 2072709 (VCV002072709.3), dbSNP rs1327842167, ClinGen allele CA353233298.
Genomic context (GRCh38, chr3:53,179,711, plus strand): 5'-TATGAGGGGCGCGTCATCCAGATTGTGCTAATGCGGGCAGCAGAGGAGCCAGTGTCTGAG[G>A]TGACCGTGGGTGTGTCGGTGCTGGCCGAGCGCTGCAAGAAGAACAATGGCAAGGCTGAGT-3'
Protein context (NP_006245.2, residues 74-94): MRAAEEPVSE[Val84Met]TVGVSVLAER

ClinVar aggregate classification (germline): Uncertain significance (1 of 4 stars; one submission).

Conditions:
Autoimmune lymphoproliferative syndrome, type III caused by mutation in PRKCD. Identifiers: Orphanet 3261, Orphanet 664711, MedGen C3809928, MONDO:8000024, OMIM 615559.

Allele frequency attached by ClinVar (database versions not stated): gnomAD exomes below 0.00001; gnomAD 0.00002.
gnomAD v4.1: 8 of 1,606,234 alleles (0.0005%); highest among the groups gnomAD compares: South Asian, 0.0011%; no homozygotes.

Submission:

Labcorp Genetics (formerly Invitae), Labcorp
Classification: Uncertain significance for Autoimmune lymphoproliferative syndrome, type III caused by mutation in PRKCD. Last evaluated: 2022-03-27. Review status: criteria provided, single submitter. Criteria: Invitae Variant Classification Sherloc (09022015). Collection method: clinical testing. Allele origin: germline.
Comment: This sequence change replaces valine, which is neutral and non-polar, with methionine, which is neutral and non-polar, at codon 84 of the PRKCD protein (p.Val84Met). This variant is present in population databases (no rsID available, gnomAD 0.002%). This variant has not been reported in the literature in individuals affected with PRKCD-related conditions. Algorithms developed to predict the effect of missense changes on protein structure and function are either unavailable or do not agree on the potential impact of this missense change (SIFT: "Deleterious"; PolyPhen-2: "Possibly Damaging"; Align-GVGD: "Class C0"). In summary, the available evidence is currently insufficient to determine the role of this variant in disease. Therefore, it has been classified as a Variant of Uncertain Significance.